The following is an entry in ClinVar:

ClinVar aggregate classification (germline): Likely benign (1 of 4 stars; one submission).

gnomAD v4.1: 24 of 1,613,626 alleles (0.0015%); highest among the groups gnomAD compares: Non-Finnish European, 0.0019%; no homozygotes.

Submission:

CeGaT Center for Human Genetics Tuebingen
Classification: Likely benign. Last evaluated: 2024-10-01. Review status: criteria provided, single submitter. Criteria: CeGaT Center For Human Genetics Tuebingen Variant Classification Criteria Version 2. Collection method: clinical testing. Allele origin: germline. Affected: yes. Observed: 1 variant allele.
Comment: KLC3: BP4, BP7

NM_177417.3(KLC3):c.1336C>T (p.Leu446=)

Genes: ERCC2 (ERCC excision repair 2, TFIIH core complex helicase subunit; minus strand), KLC3 (kinesin light chain 3; plus strand). Cytogenetic location: 19q13.32.
Variant type: single nucleotide variant.
Coding change: c.1336C>T on transcript NM_177417.3 (MANE Select); coding-DNA position 1336, C replaced by T.
Protein change: p.Leu446=; no amino-acid change (leucine 446 retained).
Molecular consequence: synonymous variant. On other transcripts: 3 prime UTR variant (1).
Genome position (GRCh38, 1-based): chr19:45,350,704, C>T. VCF-style: chr19-45350704-C-T. GRCh37 (hg19) VCF-style: chr19-45853962-C-T.
Other names: c.*925G>A (NM_000400.4).
Identifiers: ClinVar variation 3389784 (VCV003389784.14).